The following is an entry in ClinVar:

NM_015346.4(ZFYVE26):c.5791-2A>G

Gene: ZFYVE26 (zinc finger FYVE-type containing 26; minus strand). Cytogenetic location: 14q24.1.
Variant type: single nucleotide variant.
Coding change: c.5791-2A>G on transcript NM_015346.4 (MANE Select); the canonical splice acceptor site of the intron before coding-DNA position 5791, A replaced by G.
Molecular consequence: splice acceptor variant.
Genome position (GRCh38, 1-based): chr14:67,766,449, T>C on the plus strand (A>G on the coding strand, the complement: ZFYVE26 is on the minus strand). VCF-style: chr14-67766449-T-C. GRCh37 (hg19) VCF-style: chr14-68233166-T-C.
Identifiers: ClinVar variation 2814768 (VCV002814768.3), dbSNP rs2502756799, ClinGen allele CA390166106.

ClinVar aggregate classification (germline): Likely pathogenic (1 of 4 stars; one submission).

Conditions:
Spastic paraplegia. Identifiers: MedGen C0037772, HP:0001258.

Submission:

Labcorp Genetics (formerly Invitae), Labcorp
Classification: Likely pathogenic for Spastic paraplegia. Last evaluated: 2022-11-16. Review status: criteria provided, single submitter. Criteria: Invitae Variant Classification Sherloc (09022015). Collection method: clinical testing. Allele origin: germline.
Comment: Algorithms developed to predict the effect of sequence changes on RNA splicing suggest that this variant may disrupt the consensus splice site. This variant has not been reported in the literature in individuals affected with ZFYVE26-related conditions. This variant is not present in population databases (gnomAD no frequency). This sequence change affects an acceptor splice site in intron 31 of the ZFYVE26 gene. It is expected to disrupt RNA splicing. Variants that disrupt the donor or acceptor splice site typically lead to a loss of protein function (PMID: 16199547), and loss-of-function variants in ZFYVE26 are known to be pathogenic (PMID: 18394578, 19805727). In summary, the currently available evidence indicates that the variant is pathogenic, but additional data are needed to prove that conclusively. Therefore, this variant has been classified as Likely Pathogenic.

Literature cited by the submitters: PubMed 16199547; PubMed 18394578; PubMed 19805727.